The following is an entry in ClinVar:

ClinVar aggregate classification (germline): Likely pathogenic (3 of 4 stars; one submission).

Conditions:
Centronuclear myopathy (CNM). Also called: Myotubular myopathy; Centronuclear myopathy, congenital. Identifiers: Orphanet 595, MedGen C0175709, MONDO:0018947. Inheritance: All.

Submission:

ClinGen Congenital Myopathies Variant Curation Expert Panel, ClinGen
Classification: Likely pathogenic for Centronuclear myopathy. Last evaluated: 2025-11-10. Review status: reviewed by expert panel. Criteria: ClinGen CongenMyopathy ACMG Specifications MTM1 V1.0.0. Collection method: curation. Allele origin: germline. Inheritance: X-linked inheritance.
Comment: The NM_000252.3:c.690G>C (p.Trp230Cys) variant in MTM1 is a missense variant predicted to cause substitution of tryptophan by cysteine at amino acid 230. This variant is absent from gnomAD v4.1.0 (PM2_supporting). The computational predictor REVEL gives a score of 0.901, which is above the Congenital Myopathies VCEP threshold of 0.7, evidence that correlates with impact to MTM1 function (PP3). The same amino acid change, p.Trp230Cys, resulting from a different nucleotide change [c.690G>T; VCV004475856] is classified as likely pathogenic for X-linked centronuclear myopathy by the ClinGen Congenital Myopathies VCEP (PS1). Expression-level evidence in HEK293 cells showed significantly reduced expression of the mutant protein indicating that this variant impacts protein stability and likely protein function (PMID: 37101954; PS3_supporting). In summary, this variant meets the criteria to be classified as likely pathogenic for X-linked centronuclear myopathy based on the ACMG/AMP criteria applied, as specified by the ClinGen Congenital Myopathies VCEP: PM2_supporting, PP3, PS1, PS3_supporting (VCEP Specifications Version 1.0.0; 11/10/2025).

Literature cited by the submitters: PubMed 37101954.

NM_000252.3(MTM1):c.690G>C (p.Trp230Cys)

Gene: MTM1 (myotubularin 1; plus strand). Cytogenetic location: Xq28.
Variant type: single nucleotide variant.
Coding change: c.690G>C on transcript NM_000252.3 (MANE Select); coding-DNA position 690, G replaced by C.
Protein change: p.Trp230Cys; replaces tryptophan 230 with cysteine.
Molecular consequence: missense variant.
Genome position (GRCh38, 1-based): chrX:150,645,694, G>C. VCF-style: chrX-150645694-G-C. GRCh37 (hg19) VCF-style: chrX-149814167-G-C.
Other names: NM_001376908.1:c.690G>C; c.690G>C, p.Trp230Cys (NM_001376906.1, NM_001376908.1); c.579G>C, p.Trp193Cys (NM_001376907.1); short protein forms W193C, W230C.
Identifiers: ClinVar variation 4533401 (VCV004533401.1).
Genomic context (GRCh38, chrX:150,645,694, plus strand): 5'-CTTGGAGATTTGCTTTCTTGATAGCTTAAACTTTCTGACTTAACCATAGGTGCTGTCATG[G>C]ATTCATCCAGAAAATAAGACGGTCATTGTGCGTTGCAGTCAGCCTCTTGTCGGTATGAGT-3'
Protein context (NP_000243.1, residues 220-240): RSRNRIPVLS[Trp230Cys]IHPENKTVIV